The following is an entry in ClinVar:

NM_005802.5(TOPORS):c.150G>A (p.Arg50=)

Gene: TOPORS (TOP1 binding arginine/serine rich protein, E3 ubiquitin ligase; minus strand). Cytogenetic location: 9p21.1.
Variant type: single nucleotide variant.
Coding change: c.150G>A on transcript NM_005802.5 (MANE Select); coding-DNA position 150, G replaced by A.
Protein change: p.Arg50=; no amino-acid change (arginine 50 retained).
Molecular consequence: synonymous variant. On other transcripts: intron variant (1).
Genome position (GRCh38, 1-based): chr9:32,550,822, C>T on the plus strand (G>A on the coding strand, the complement: TOPORS is on the minus strand). VCF-style: chr9-32550822-C-T. GRCh37 (hg19) VCF-style: chr9-32550820-C-T.
Other names: c.3+1612G>A (NM_001195622.2).
Identifiers: ClinVar variation 744267 (VCV000744267.14), dbSNP rs200003273, ClinGen allele CA5020715.

ClinVar aggregate classification (germline): Benign/Likely benign. Review status: criteria provided, multiple submitters, no conflicts (2 of 4 stars). 4 submissions from 4 submitters: Benign (1); Likely benign (3). Last evaluated 2025-07-13.

Conditions:
Retinal dystrophy. Also called: Inherited retinal dystrophy. Identifiers: Orphanet 71862, MedGen C0854723, MeSH D058499, MONDO:0019118, HP:0000556.
TOPORS-related disorder. Also called: TOPORS-related condition.

Allele frequency attached by ClinVar (database versions not stated): gnomAD 0.00003 and 0.00005; gnomAD exomes 0.00003 and 0.00004; TOPMed 0.00003; ExAC 0.00004; 1000 Genomes Project 30x 0.00016; 1000 Genomes Project 0.00020.
gnomAD v4.1: 54 of 1,612,778 alleles (0.0033%); highest among the groups gnomAD compares: East Asian, 0.082%; no homozygotes.

Submissions (4):

Labcorp Genetics (formerly Invitae), Labcorp
Classification: Likely benign. Last evaluated: 2025-07-13. Review status: criteria provided, single submitter. Criteria: Invitae Variant Classification Sherloc (09022015). Collection method: clinical testing. Allele origin: germline.

PreventionGenetics, part of Exact Sciences
Classification: Likely benign for TOPORS-related condition. Last evaluated: 2024-10-28. Review status: criteria provided, single submitter. Criteria: ACMG Guidelines, 2015. Collection method: clinical testing. Allele origin: germline.
Comment: This variant is classified as likely benign based on ACMG/AMP sequence variant interpretation guidelines (Richards et al. 2015 PMID: 25741868, with internal and published modifications).

Dept Of Ophthalmology, Nagoya University
Classification: Benign for Retinal dystrophy. Last evaluated: 2023-10-01. Review status: criteria provided, single submitter. Criteria: Submitter's publication. Collection method: research. Allele origin: germline. Affected: yes.

Blueprint Genetics
Classification: Likely benign. Last evaluated: 2022-12-12. Review status: criteria provided, single submitter. Criteria: ACMG Guidelines, 2015. Collection method: clinical testing. Allele origin: germline.